The following is an entry in ClinVar:

ClinVar aggregate classification (germline): Uncertain significance. Review status: criteria provided, multiple submitters, no conflicts (2 of 4 stars). 2 submissions from 2 submitters: Uncertain significance (2). Last evaluated 2021-09-02.

Conditions:
Inborn genetic diseases. Identifiers: MedGen C0950123, MeSH D030342.
Hereditary sensory and autonomic neuropathy type 6. Also called: Neuropathy, hereditary sensory and autonomic, type VI; HSAN VI. Identifiers: Orphanet 314381, MedGen C3539003, MONDO:0013839, OMIM 614653.
Epidermolysis bullosa simplex 3, localized or generalized intermediate, with BP230 deficiency (EBS3). Also called: Epidermolysis bullosa simplex due to BP230 deficiency; Epidermolysis bullosa simplex, autosomal recessive 2. Identifiers: Orphanet 412181, MedGen C3809470, MONDO:0014180, OMIM 615425.

Submissions (2):

Labcorp Genetics (formerly Invitae), Labcorp
Classification: Uncertain significance for Epidermolysis bullosa simplex 3, localized or generalized intermediate, with BP230 deficiency; Hereditary sensory and autonomic neuropathy type 6. Last evaluated: 2021-09-02. Review status: criteria provided, single submitter. Criteria: Invitae Variant Classification Sherloc (09022015). Collection method: clinical testing. Allele origin: germline.

Ambry Genetics
Classification: Uncertain significance for Inborn genetic diseases. Last evaluated: 2020-02-20. Review status: criteria provided, single submitter. Criteria: Ambry Variant Classification Scheme 2023. Collection method: clinical testing. Allele origin: germline.
Comment: The p.E2482K variant (also known as c.7444G>A), located in coding exon 48 of the DST gene, results from a G to A substitution at nucleotide position 7444. The glutamic acid at codon 2482 is replaced by lysine, an amino acid with similar properties. This amino acid position is highly conserved in available vertebrate species. In addition, the in silico prediction for this alteration is inconclusive. Since supporting evidence is limited at this time, the clinical significance of this alteration remains unclear.

NM_001374736.1(DST):c.13801G>A (p.Glu4601Lys)

Gene: DST (dystonin; minus strand). Cytogenetic location: 6p12.1.
Variant type: single nucleotide variant.
Coding change: c.13801G>A on transcript NM_001374736.1 (MANE Select); coding-DNA position 13801, G replaced by A.
Protein change: p.Glu4601Lys; replaces glutamic acid 4601 with lysine.
Molecular consequence: missense variant.
Genome position (GRCh38, 1-based): chr6:56,569,933, C>T on the plus strand (G>A on the coding strand, the complement: DST is on the minus strand). VCF-style: chr6-56569933-C-T. GRCh37 (hg19) VCF-style: chr6-56434731-C-T.
Other names: c.7444G>A, p.Glu2482Lys (NM_001144769.5); c.7030G>A, p.Glu2344Lys (NM_001144770.2); c.13801G>A, p.Glu4601Lys (NM_001374722.1); c.13168G>A, p.Glu4390Lys (NM_001374729.1); c.6910G>A, p.Glu2304Lys (NM_001374730.1, NM_001386100.1, NM_183380.4); c.13828G>A, p.Glu4610Lys (NM_001374734.1); c.5932G>A, p.Glu1978Lys (NM_015548.5); short protein forms E1978K, E2482K, E4610K, E4390K, E2304K, E2344K, E4601K.
Identifiers: ClinVar variation 1401683 (VCV001401683.5), dbSNP rs892801869, ClinGen allele CA139212390.